The following is an entry in ClinVar:

ClinVar aggregate classification (germline): Uncertain significance. Review status: criteria provided, multiple submitters, no conflicts (2 of 4 stars). 2 submissions from 2 submitters: Uncertain significance (2). Last evaluated 2026-02-02.

Allele frequency attached by ClinVar (database versions not stated): gnomAD 0.00002; TOPMed 0.00002.
gnomAD v4.1: 13 of 1,611,194 alleles (0.00081%); highest among the groups gnomAD compares: Non-Finnish European, 0.0011%; no homozygotes.

Submissions (2):

Women's Health and Genetics/Laboratory Corporation of America, LabCorp
Classification: Uncertain significance. Last evaluated: 2026-02-02. Review status: criteria provided, single submitter. Criteria: LabCorp Variant Classification Summary - May 2015. Collection method: clinical testing. Allele origin: germline.
Comment: Variant summary: CACNA1E c.2735C>G (p.Ala912Gly) results in a non-conservative amino acid change in the encoded protein sequence. Algorithms developed to predict the effect of missense changes on protein structure and function are either unavailable or do not agree on the potential impact of this missense change. The variant allele was found at a frequency of 3.2e-05 in 31380 control chromosomes. The available data on variant occurrences in the general population are insufficient to allow any conclusion about variant significance. To our knowledge, no occurrence of c.2735C>G in individuals affected with CACNA1E-related conditions and no experimental evidence demonstrating its impact on protein function have been reported. ClinVar contains an entry for this variant (Variation ID: 2867590). Based on the evidence outlined above, the variant was classified as uncertain significance.

Labcorp Genetics (formerly Invitae), Labcorp
Classification: Uncertain significance. Last evaluated: 2026-01-05. Review status: criteria provided, single submitter. Criteria: Invitae Variant Classification Sherloc (09022015). Collection method: clinical testing. Allele origin: germline.
Comment: This sequence change replaces alanine, which is neutral and non-polar, with glycine, which is neutral and non-polar, at codon 912 of the CACNA1E protein (p.Ala912Gly). This variant is present in population databases (no rsID available, gnomAD 0.007%). This variant has not been reported in the literature in individuals affected with CACNA1E-related conditions. ClinVar contains an entry for this variant (Variation ID: 2867590). Invitae Evidence Modeling of protein sequence and biophysical properties (such as structural, functional, and spatial information, amino acid conservation, physicochemical variation, residue mobility, and thermodynamic stability) has been performed for this missense variant. However, the output from this modeling did not meet the statistical confidence thresholds required to predict the impact of this variant on CACNA1E protein function. In summary, the available evidence is currently insufficient to determine the role of this variant in disease. Therefore, it has been classified as a Variant of Uncertain Significance.

NM_001205293.3(CACNA1E):c.2735C>G (p.Ala912Gly)

Gene: CACNA1E (calcium voltage-gated channel subunit alpha1 E; plus strand). Cytogenetic location: 1q25.3.
Variant type: single nucleotide variant.
Coding change: c.2735C>G on transcript NM_001205293.3 (MANE Select); coding-DNA position 2735, C replaced by G.
Protein change: p.Ala912Gly; replaces alanine 912 with glycine.
Molecular consequence: missense variant.
Genome position (GRCh38, 1-based): chr1:181,732,821, C>G. VCF-style: chr1-181732821-C-G. GRCh37 (hg19) VCF-style: chr1-181701957-C-G.
Other names: c.2735C>G, p.Ala912Gly (NM_000721.4); c.2678C>G, p.Ala893Gly (NM_001205294.2); short protein forms A893G, A912G.
Identifiers: ClinVar variation 2867590 (VCV002867590.4), dbSNP rs1477042511, ClinGen allele CA343618769.
Genomic context (GRCh38, chr1:181,732,821, plus strand): 5'-GTGACCCGACTCAGCAGGAGGCAGGGGGAGGAGAGGCTGTGGTGACCTTTGAGGACCGGG[C>G]CAGGCACAGGCAGAGCCAACGGCGCAGCCGGCATCGCCGCGTCAGGACAGAAGGCAAGGA-3'
Protein context (NP_001192222.1, residues 902-922): GEAVVTFEDR[Ala912Gly]RHRQSQRRSR